The following is an entry in ClinVar:

NM_024408.4(NOTCH2):c.5725A>G (p.Met1909Val)

Gene: NOTCH2 (notch receptor 2; minus strand). Cytogenetic location: 1p12.
Variant type: single nucleotide variant.
Coding change: c.5725A>G on transcript NM_024408.4 (MANE Select); coding-DNA position 5725, A replaced by G.
Protein change: p.Met1909Val; replaces methionine 1909 with valine.
Molecular consequence: missense variant.
Genome position (GRCh38, 1-based): chr1:119,919,368, T>C on the plus strand (A>G on the coding strand, the complement: NOTCH2 is on the minus strand). VCF-style: chr1-119919368-T-C. GRCh37 (hg19) VCF-style: chr1-120461991-T-C.
Other names: short protein forms M1909V.
Identifiers: ClinVar variation 3707404 (VCV003707404.2).
Genomic context (GRCh38, chr1:119,919,368, plus strand): 5'-TTACCTGGAAGACACCTTGGGCATCAGCTGCCACTGCAGCATGGAGTGGACAGCGGCCCA[T>C]GTTGTCCTGGGCATTGGCATCTGCACCTGCATCCAGGAGACGCTTGGCAGCATCAGCCCG-3'
Protein context (NP_077719.2, residues 1899-1919): AGADANAQDN[Met1909Val]GRCPLHAAVA

ClinVar aggregate classification (germline): Uncertain significance (1 of 4 stars; one submission).

Conditions:
Hajdu-Cheney syndrome (HJCYS). Also called: ACROOSTEOLYSIS WITH OSTEOPOROSIS AND CHANGES IN SKULL AND MANDIBLE; Acroosteolysis dominant type; SERPENTINE FIBULA-POLYCYSTIC KIDNEY SYNDROME. Identifiers: Orphanet 955, MedGen C0917715, MONDO:0007057, OMIM 102500.

Submission:

Labcorp Genetics (formerly Invitae), Labcorp
Classification: Uncertain significance for Hajdu-Cheney syndrome. Last evaluated: 2024-12-19. Review status: criteria provided, single submitter. Criteria: Invitae Variant Classification Sherloc (09022015). Collection method: clinical testing. Allele origin: germline.
Comment: This sequence change replaces methionine, which is neutral and non-polar, with valine, which is neutral and non-polar, at codon 1909 of the NOTCH2 protein (p.Met1909Val). This variant is present in population databases (rs770414720, gnomAD 0.003%). This variant has not been reported in the literature in individuals affected with NOTCH2-related conditions. Invitae Evidence Modeling of protein sequence and biophysical properties (such as structural, functional, and spatial information, amino acid conservation, physicochemical variation, residue mobility, and thermodynamic stability) indicates that this missense variant is not expected to disrupt NOTCH2 protein function with a negative predictive value of 80%. In summary, the available evidence is currently insufficient to determine the role of this variant in disease. Therefore, it has been classified as a Variant of Uncertain Significance.